The following is an entry in ClinVar:

ClinVar aggregate classification (germline): Benign/Likely benign. Review status: criteria provided, multiple submitters, no conflicts (2 of 4 stars). 2 submissions from 2 submitters: Benign (1); Likely benign (1). Last evaluated 2025-10-13.

Conditions:
DCTN1-related disorder. Also called: DCTN1-related condition.
Neuronopathy, distal hereditary motor, type 7B. Also called: HMN VIIB; LOWER MOTOR NEURON DISEASE, DYNACTIN TYPE; NEURONOPATHY, DISTAL HEREDITARY MOTOR, AUTOSOMAL DOMINANT 14; NEURONOPATHY, DISTAL HEREDITARY MOTOR, HARDING TYPE VIIB; NEUROPATHY, DISTAL HEREDITARY MOTOR, HARDING TYPE VIIB; NEUROPATHY, DISTAL HEREDITARY MOTOR, WITH VOCAL CORD PARALYSIS, HARDING TYPE VIIB. Identifiers: Orphanet 139589, MedGen C1843315, MONDO:0011879, OMIM 607641.
Perry syndrome. Also called: PARKINSONISM WITH ALVEOLAR HYPOVENTILATION AND MENTAL DEPRESSION. Identifiers: Orphanet 178509, MedGen C1868594, MONDO:0008201, OMIM 168605.
Amyotrophic lateral sclerosis type 1 (ALS1). Also called: AMYOTROPHIC LATERAL SCLEROSIS 1, FAMILIAL. Identifiers: Orphanet 803, MedGen C1862939, MONDO:0007103, OMIM 105400.

Allele frequency attached by ClinVar (database versions not stated): gnomAD exomes 0.00005 and 0.00008; ExAC 0.00013; TOPMed 0.00020; ESP Exome Variant Server 0.00046; 1000 Genomes Project 0.00060; 1000 Genomes Project 30x 0.00062.
gnomAD v4.1: 91 of 1,613,938 alleles (0.0056%); highest among the groups gnomAD compares: African/African-American, 0.059%; no homozygotes.

Submissions (2):

Labcorp Genetics (formerly Invitae), Labcorp
Classification: Benign for Amyotrophic lateral sclerosis type 1; Neuronopathy, distal hereditary motor, type 7B; Perry syndrome. Last evaluated: 2025-10-13. Review status: criteria provided, single submitter. Criteria: Invitae Variant Classification Sherloc (09022015). Collection method: clinical testing. Allele origin: germline.

PreventionGenetics, part of Exact Sciences
Classification: Likely benign for DCTN1-related condition. Last evaluated: 2025-07-16. Review status: criteria provided, single submitter. Criteria: ACMG Guidelines, 2015. Collection method: clinical testing. Allele origin: germline.
Comment: This variant is classified as likely benign based on ACMG/AMP sequence variant interpretation guidelines (Richards et al. 2015 PMID: 25741868, with internal and published modifications).

NM_004082.5(DCTN1):c.3546G>A (p.Ser1182=)

Gene: DCTN1 (dynactin subunit 1; minus strand). Cytogenetic location: 2p13.1.
Variant type: single nucleotide variant.
Coding change: c.3546G>A on transcript NM_004082.5 (MANE Select); coding-DNA position 3546, G replaced by A.
Protein change: p.Ser1182=; no amino-acid change (serine 1182 retained).
Molecular consequence: synonymous variant. On other transcripts: non-coding transcript variant (1).
Genome position (GRCh38, 1-based): chr2:74,362,713, C>T on the plus strand (G>A on the coding strand, the complement: DCTN1 is on the minus strand). VCF-style: chr2-74362713-C-T. GRCh37 (hg19) VCF-style: chr2-74589840-C-T.
Other names: c.3471G>A, p.Ser1157= (NM_001135040.3); c.3129G>A, p.Ser1043= (NM_001135041.3); c.3420G>A, p.Ser1140= (NM_001190836.2); c.3525G>A, p.Ser1175= (NM_001190837.2); c.3495G>A, p.Ser1165= (NM_001378991.1); c.3477G>A, p.Ser1159= (NM_001378992.1); c.3144G>A, p.Ser1048= (NM_023019.4).
Identifiers: ClinVar variation 743587 (VCV000743587.12), dbSNP rs149440626, ClinGen allele CA1721442.